The following is an entry in ClinVar:

NM_000081.4(LYST):c.1122T>G (p.Phe374Leu)

Gene: LYST (lysosomal trafficking regulator; minus strand). Cytogenetic location: 1q42.3.
Variant type: single nucleotide variant.
Coding change: c.1122T>G on transcript NM_000081.4 (MANE Select); coding-DNA position 1122, T replaced by G.
Protein change: p.Phe374Leu; replaces phenylalanine 374 with leucine.
Molecular consequence: missense variant.
Genome position (GRCh38, 1-based): chr1:235,809,696, A>C on the plus strand (T>G on the coding strand, the complement: LYST is on the minus strand). VCF-style: chr1-235809696-A-C. GRCh37 (hg19) VCF-style: chr1-235972996-A-C.
Other names: c.1122T>G, p.Phe374Leu (NM_001301365.1); short protein forms F374L.
Identifiers: ClinVar variation 858326 (VCV000858326.7), dbSNP rs112280438, ClinGen allele CA344963112.
Genomic context (GRCh38, chr1:235,809,696, plus strand): 5'-ATACTTTGAAAACACAAAATCTTCCTGAACCTCCTGCAGTGTTTTCTTTTGTCTTGGTGC[A>C]AAAGGGTCAGGCTGCTTTTCTAGGCATATTCTAATTTTTAAAGCTGCTCTAAGCAATTCA-3'
Protein context (NP_000072.2, residues 364-384): RICLEKQPDP[Phe374Leu]APRQKKTLQE

ClinVar aggregate classification (germline): Uncertain significance (1 of 4 stars; one submission).

Conditions:
Chédiak-Higashi syndrome (CHS). Also called: Chediak-Higashi Syndrome. Identifiers: Orphanet 167, MedGen C0007965, MONDO:0008963, OMIM 214500.

Allele frequency attached by ClinVar (database versions not stated): gnomAD 0.00001.
gnomAD v4.1: 15 of 1,613,584 alleles (0.00093%); highest among the groups gnomAD compares: Non-Finnish European, 0.0013%; no homozygotes.

Submission:

Labcorp Genetics (formerly Invitae), Labcorp
Classification: Uncertain significance for Chédiak-Higashi syndrome. Last evaluated: 2023-06-13. Review status: criteria provided, single submitter. Criteria: Invitae Variant Classification Sherloc (09022015). Collection method: clinical testing. Allele origin: germline.
Comment: This sequence change replaces phenylalanine, which is neutral and non-polar, with leucine, which is neutral and non-polar, at codon 374 of the LYST protein (p.Phe374Leu). This variant is not present in population databases (gnomAD no frequency). This variant has not been reported in the literature in individuals affected with LYST-related conditions. ClinVar contains an entry for this variant (Variation ID: 858326). Advanced modeling of protein sequence and biophysical properties (such as structural, functional, and spatial information, amino acid conservation, physicochemical variation, residue mobility, and thermodynamic stability) performed at Invitae indicates that this missense variant is not expected to disrupt LYST protein function. In summary, the available evidence is currently insufficient to determine the role of this variant in disease. Therefore, it has been classified as a Variant of Uncertain Significance.